The following is an entry in ClinVar:

NM_003482.4(KMT2D):c.11967ACA[1] (p.Gln3994del)

Gene: KMT2D (lysine methyltransferase 2D; minus strand). Cytogenetic location: 12q13.12.
Variant type: Microsatellite.
Coding change: c.11967ACA[1] on transcript NM_003482.4 (MANE Select); one copy of the 3-base unit ACA starting at c.11967; the reference has two copies in a row; one copy, 3 bases deleted.
Protein change: p.Gln3994del; deletes glutamine 3994.
Molecular consequence: inframe deletion.
Genome position (GRCh38, 1-based): chr12:49,032,733-49,032,735, TGT deleted on the plus strand (ACA on the coding strand, the reverse complement: KMT2D is on the minus strand); deleting any 3 consecutive bases within chr12:49,032,733-49,032,740 gives the same sequence; the position shown is the placement nearest the transcript's 3' end. VCF-style (leftmost placement, unchanged base first): chr12-49032732-CTGT-C. GRCh37 (hg19) VCF-style: chr12-49426515-CTGT-C.
Other names: short protein forms Q3994del.
Identifiers: ClinVar variation 4753690 (VCV004753690.1).
Genomic context (GRCh38, chr12:49,032,732, plus strand): 5'-GCTAGAAAAGTGTTGAAGAGGCTTTGCTGGCATGCCAGGGCCAAGTGCCACTTGCTGCTG[CTGT>C]TGTTGCTGAGGAGACAGTAAAGTTCGACTCTGGTTTAAAAGGCCCATCTGCTGCTGTTGC-3'

ClinVar aggregate classification (germline): Uncertain significance (1 of 4 stars; one submission).

Conditions:
Kabuki syndrome. Also called: Kabuki make-up syndrome; NIIKAWA-KUROKI SYNDROME. Identifiers: Orphanet 2322, MedGen C0796004, MONDO:0016512.

Submission:

Labcorp Genetics (formerly Invitae), Labcorp
Classification: Uncertain significance for Kabuki syndrome. Last evaluated: 2025-04-07. Review status: criteria provided, single submitter. Criteria: Invitae Variant Classification Sherloc (09022015). Collection method: clinical testing. Allele origin: germline.
Comment: This variant, c.11970_11972del, results in the deletion of 1 amino acid(s) of the KMT2D protein (p.Gln3994del), but otherwise preserves the integrity of the reading frame. This variant is not present in population databases (gnomAD no frequency). This variant has not been reported in the literature in individuals affected with KMT2D-related conditions. Experimental studies and prediction algorithms are not available or were not evaluated, and the functional significance of this variant is currently unknown. In summary, the available evidence is currently insufficient to determine the role of this variant in disease. Therefore, it has been classified as a Variant of Uncertain Significance.